The following is an entry in ClinVar:

NM_000548.5(TSC2):c.642C>G (p.Asp214Glu)

Gene: TSC2 (TSC complex subunit 2; plus strand). Cytogenetic location: 16p13.3.
Variant type: single nucleotide variant.
Coding change: c.642C>G on transcript NM_000548.5 (MANE Select); coding-DNA position 642, C replaced by G.
Protein change: p.Asp214Glu; replaces aspartic acid 214 with glutamic acid.
Molecular consequence: missense variant. On other transcripts: 5 prime UTR variant (10), non-coding transcript variant (5).
Genome position (GRCh38, 1-based): chr16:2,056,238, C>G. VCF-style: chr16-2056238-C-G. GRCh37 (hg19) VCF-style: chr16-2106239-C-G.
Other names: c.642C>G, p.Asp214Glu (NM_001077183.3, NM_001114382.3, NM_001363528.2 and 8 more transcripts); c.531C>G, p.Asp177Glu (NM_001318827.2, NM_001406670.1, NM_001406678.1); c.495C>G, p.Asp165Glu (NM_001318829.2, NM_001406675.1, NM_001406676.1 and 1 more transcripts); c.42C>G, p.Asp14Glu (NM_001318831.2, NM_001406680.1, NM_001406682.1 and 6 more transcripts); c.675C>G, p.Asp225Glu (NM_001318832.2); c.732C>G, p.Asp244Glu (NM_001406667.1, NM_001406668.1); c.585C>G, p.Asp195Glu (NM_001406677.1); c.180C>G, p.Asp60Glu (NM_001406681.1); and 4 more; short protein forms D14E, D165E, D177E, D195E, D214E, D225E, D244E, D60E.
Identifiers: ClinVar variation 3232202 (VCV003232202.1), dbSNP rs763726222, ClinGen allele CA394311025.
Genomic context (GRCh38, chr16:2,056,238, plus strand): 5'-GCTCGGTGCTCCCTGCAGGATGATCTGTCTGCTGTGCGTCCGGACCGCGTCCTCTGTGGA[C>G]ATAGAGGTCAGTGCCTCCCCTCCCCAGGGCCGGCCCATTTCACCCTGGTTTCTGGGAGGC-3'
Protein context (NP_000539.2, residues 204-224): LLCVRTASSV[Asp214Glu]IEVSLQVLDA

ClinVar aggregate classification (germline): Uncertain significance (1 of 4 stars; one submission).

Conditions:
Hereditary cancer-predisposing syndrome. Also called: Neoplastic Syndromes, Hereditary; Tumor predisposition; Hereditary neoplastic syndrome; Hereditary Cancer Syndrome. Identifiers: Orphanet 140162, MedGen C0027672, MeSH D009386, MONDO:0015356.

Submission:

Ambry Genetics
Classification: Uncertain significance for Hereditary cancer-predisposing syndrome. Last evaluated: 2024-01-25. Review status: criteria provided, single submitter. Criteria: Ambry Variant Classification Scheme 2023. Collection method: clinical testing. Allele origin: germline.
Comment: The p.D214E variant (also known as c.642C>G), located in coding exon 6 of the TSC2 gene, results from a C to G substitution at nucleotide position 642. The aspartic acid at codon 214 is replaced by glutamic acid, an amino acid with highly similar properties. This amino acid position is conserved. In addition, the in silico prediction for this alteration is inconclusive. Based on the available evidence, the clinical significance of this alteration remains unclear.